The following is an entry in ClinVar:

ClinVar aggregate classification (germline): Uncertain significance (1 of 4 stars; one submission).

Submission:

Dasa
Classification: Uncertain significance. Last evaluated: 2024-10-11. Review status: criteria provided, single submitter. Criteria: DASA Assertion Criteria. Collection method: clinical testing. Allele origin: germline.
Comment: NM_014727.3(KMT2B):c.2518G>T (p.Gly840Cys) is a missense variant that results in the substitution of glycine with cysteine. This variant is absent from population databases. The currently available literature and clinical evidence are not sufficient to establish a definitive association between this variant and the reported condition. Therefore, this variant is classified as a variant of uncertain significance.

NM_014727.3(KMT2B):c.2518G>T (p.Gly840Cys)

Gene: KMT2B (lysine methyltransferase 2B; plus strand). Cytogenetic location: 19q13.12.
Variant type: single nucleotide variant.
Coding change: c.2518G>T on transcript NM_014727.3 (MANE Select); coding-DNA position 2518, G replaced by T.
Protein change: p.Gly840Cys; replaces glycine 840 with cysteine.
Molecular consequence: missense variant.
Genome position (GRCh38, 1-based): chr19:35,722,419, G>T. VCF-style: chr19-35722419-G-T. GRCh37 (hg19) VCF-style: chr19-36213321-G-T.
Other names: short protein forms G840C.
Identifiers: ClinVar variation 4883609 (VCV004883609.2).